The following is an entry in ClinVar:

ClinVar aggregate classification (germline): Conflicting classifications of pathogenicity. Review status: criteria provided, conflicting classifications (1 of 4 stars). 2 submissions from 2 submitters: Likely pathogenic (1); Uncertain significance (1). Last evaluated 2023-07-10.

Conditions:
Familial thoracic aortic aneurysm and aortic dissection (TAAD). Also called: Thoracic aortic aneurysms and dissections. Identifiers: Orphanet 91387, MedGen C4707243, MONDO:0019625.

Submissions (2):

Labcorp Genetics (formerly Invitae), Labcorp
Classification: Uncertain significance for Familial thoracic aortic aneurysm and aortic dissection. Last evaluated: 2023-07-10. Review status: criteria provided, single submitter. Criteria: Invitae Variant Classification Sherloc (09022015). Collection method: clinical testing. Allele origin: germline.
Comment: Advanced modeling of protein sequence and biophysical properties (such as structural, functional, and spatial information, amino acid conservation, physicochemical variation, residue mobility, and thermodynamic stability) has been performed at Invitae for this missense variant, however the output from this modeling did not meet the statistical confidence thresholds required to predict the impact of this variant on TGFBR1 protein function. In summary, the available evidence is currently insufficient to determine the role of this variant in disease. Therefore, it has been classified as a Variant of Uncertain Significance. ClinVar contains an entry for this variant (Variation ID: 213880). This sequence change replaces glutamine, which is neutral and polar, with arginine, which is basic and polar, at codon 275 of the TGFBR1 protein (p.Gln275Arg). This variant is not present in population databases (gnomAD no frequency). This variant has not been reported in the literature in individuals affected with TGFBR1-related conditions.

GeneDx
Classification: Likely pathogenic. Last evaluated: 2014-05-29. Review status: criteria provided, single submitter. Criteria: GeneDx Variant Classification (06012015). Collection method: clinical testing. Allele origin: germline. Affected: yes.
Comment: p.Gln275Arg (CAG>CGG): c.824 A>G in exon 5 of the TGFBR1 gene (NM_004612.2) The Q275R variant that is likely pathogenic, identified in the TGFBR1 gene, has not been published as a mutation, nor has it been reported as a benign polymorphism to our knowledge. The Q275R variant was not observed in approximately 6500 individuals of European and African American ancestry in the NHLBI Exome Sequencing Project, indicating it is not a common benign variant in these populations. The Q275R variant is a semi-conservative amino acid substitution, which may impact secondary protein structure as these residues differ in some properties. This substitution occurs at a position that is conserved across species. In silico analysis predicts this variant is probably damaging to the protein structure/function. Missense mutations in nearby residues (D266Y, N267H) have been reported in association with Loeys-Dietz syndrome and Marfan syndrome type 2, respectively, supporting the functional importance of this region of the protein. Therefore, this variant is a strong candidate for a pathogenic mutation, however the possibility that it is a benign variant cannot be excluded. This variant was found in TAAD

NM_004612.4(TGFBR1):c.824A>G (p.Gln275Arg)

Gene: TGFBR1 (transforming growth factor beta receptor 1; plus strand). Cytogenetic location: 9q22.33.
Variant type: single nucleotide variant.
Coding change: c.824A>G on transcript NM_004612.4 (MANE Select); coding-DNA position 824, A replaced by G.
Protein change: p.Gln275Arg; replaces glutamine 275 with arginine.
Molecular consequence: missense variant.
Genome position (GRCh38, 1-based): chr9:99,142,554, A>G. VCF-style: chr9-99142554-A-G. GRCh37 (hg19) VCF-style: chr9-101904836-A-G.
Other names: p.Q275R:CAG>CGG; c.593A>G, p.Gln198Arg (NM_001130916.3); c.836A>G, p.Gln279Arg (NM_001306210.2); short protein forms Q275R, Q279R, Q198R.
Identifiers: ClinVar variation 213880 (VCV000213880.5), dbSNP rs863223817, ClinGen allele CA319831.
Genomic context (GRCh38, chr9:99,142,554, plus strand): 5'-AATGGTCTGCAGCCCAACCGAAATGTTAATTCTGTTTTACAGACAATGGTACTTGGACTC[A>G]GCTCTGGTTGGTGTCAGATTATCATGAGCATGGATCCCTTTTTGATTACTTAAACAGATA-3'
Protein context (NP_004603.1, residues 265-285): ADNKDNGTWT[Gln275Arg]LWLVSDYHEH